The following is an entry in ClinVar:

ClinVar aggregate classification (germline): Uncertain significance. Review status: criteria provided, multiple submitters, no conflicts (2 of 4 stars). 2 submissions from 2 submitters: Uncertain significance (2). Last evaluated 2025-09-23.

Conditions:
Developmental and epileptic encephalopathy, 42 (DEE42A). Also called: DEVELOPMENTAL AND EPILEPTIC ENCEPHALOPATHY 42A; EPILEPTIC ENCEPHALOPATHY, EARLY INFANTILE, 42A; Epileptic encephalopathy, early infantile, 42. Identifiers: MedGen C4310716, MONDO:0014917, OMIM 617106.
Episodic ataxia type 2 (EA2). Also called: ATAXIA, EPISODIC, WITH NYSTAGMUS; ATAXIA, FAMILIAL PAROXYSMAL; CEREBELLAR ATAXIA, PAROXYSMAL, ACETAZOLAMIDE-RESPONSIVE; CEREBELLOPATHY, HEREDITARY PAROXYSMAL; EPISODIC ATAXIA, NYSTAGMUS-ASSOCIATED; ACETAZOLAMIDE-RESPONSIVE HEREDITARY PAROXYSMAL CEREBELLAR ATAXIA. Identifiers: Orphanet 97, MedGen C1720416, MONDO:0007163, OMIM 108500.

gnomAD v4.1: 8 of 1,489,978 alleles (0.00054%); highest among the groups gnomAD compares: African/African-American, 0.0014%; no homozygotes.

Submissions (2):

Dasa
Classification: Uncertain significance. Last evaluated: 2025-09-23. Review status: criteria provided, single submitter. Criteria: DASA Assertion Criteria. Collection method: clinical testing. Allele origin: germline.
Comment: NM_001127222.2(CACNA1A):c.3526C>A (p.Pro1176Thr) is a missense variant that results in the substitution of proline with threonine. This variant is rare in population databases. Computational prediction algorithms are consistent with a benign effect. The currently available literature and clinical evidence are not sufficient to establish a definitive association between this variant and the reported condition. Therefore, this variant is classified as a variant of uncertain significance.

Labcorp Genetics (formerly Invitae), Labcorp
Classification: Uncertain significance for Developmental and epileptic encephalopathy, 42; Episodic ataxia type 2. Last evaluated: 2022-06-03. Review status: criteria provided, single submitter. Criteria: Invitae Variant Classification Sherloc (09022015). Collection method: clinical testing. Allele origin: germline.
Comment: In summary, the available evidence is currently insufficient to determine the role of this variant in disease. Therefore, it has been classified as a Variant of Uncertain Significance. Advanced modeling of protein sequence and biophysical properties (such as structural, functional, and spatial information, amino acid conservation, physicochemical variation, residue mobility, and thermodynamic stability) performed at Invitae indicates that this missense variant is not expected to disrupt CACNA1A protein function. ClinVar contains an entry for this variant (Variation ID: 1487239). This variant has not been reported in the literature in individuals affected with CACNA1A-related conditions. This variant is not present in population databases (gnomAD no frequency). This sequence change replaces proline, which is neutral and non-polar, with threonine, which is neutral and polar, at codon 1177 of the CACNA1A protein (p.Pro1177Thr).

NM_001127222.2(CACNA1A):c.3526C>A (p.Pro1176Thr)

Gene: CACNA1A (calcium voltage-gated channel subunit alpha1 A; minus strand). Cytogenetic location: 19p13.13.
Variant type: single nucleotide variant.
Coding change: c.3526C>A on transcript NM_001127222.2 (MANE Select); coding-DNA position 3526, C replaced by A.
Protein change: p.Pro1176Thr; replaces proline 1176 with threonine.
Molecular consequence: missense variant.
Genome position (GRCh38, 1-based): chr19:13,286,530, G>T on the plus strand (C>A on the coding strand, the complement: CACNA1A is on the minus strand). VCF-style: chr19-13286530-G-T. GRCh37 (hg19) VCF-style: chr19-13397344-G-T.
Other names: c.3538C>A, p.Pro1180Thr (NM_000068.4, NM_023035.3); c.3529C>A, p.Pro1177Thr (NM_001127221.2, NM_001174080.2); short protein forms P1177T, P1176T, P1180T.
Identifiers: ClinVar variation 1487239 (VCV001487239.8), dbSNP rs1458640910, ClinGen allele CA404341189.
Genomic context (GRCh38, chr19:13,286,530, plus strand): 5'-CCTGCCCAGTGATGTGAGAGCAGAGGGTCTCACCTTGTACGACGGTGTGGTTGAGGGGGG[G>T]TGGGCAGGCTGGGGGGATGTCCACTGTGGTGTGGTCGGGTTTCCTGGCAGTCTTAGCTGA-3'
Protein context (NP_001120694.1, residues 1166-1186): TTVDIPPACP[Pro1176Thr]PLNHTVVQVN